The following is an entry in ClinVar:

NM_001127464.1:c.2762G>C

Gene: ZNF469 (zinc finger protein 469; plus strand).
Variant type: single nucleotide variant.
Identifiers: ClinVar variation 4615471 (VCV004615471.1).

ClinVar aggregate classification (germline): Uncertain significance (1 of 4 stars; one submission).

Conditions:
Cardiovascular phenotype. Identifiers: MedGen CN230736.

Submission:

Ambry Genetics
Classification: Uncertain significance for Cardiovascular phenotype. Last evaluated: 2025-10-26. Review status: criteria provided, single submitter. Criteria: Ambry Variant Classification Scheme 2023. Collection method: clinical testing. Allele origin: germline.
Comment: The p.R921P variant (also known as c.2762G>C), located in coding exon 1 of the ZNF469 gene, results from a G to C substitution at nucleotide position 2762. The arginine at codon 921 is replaced by proline, an amino acid with dissimilar properties. This amino acid position is conserved. In addition, this alteration is predicted to be tolerated by in silico analysis. Based on the available evidence, the clinical significance of this variant remains unclear.